The following is an entry in ClinVar:

ClinVar aggregate classification (germline): Uncertain significance (1 of 4 stars; one submission).

gnomAD v4.1: 1 of 1,614,218 alleles (0.000062%); highest among the groups gnomAD compares: East Asian, 0.0022%; no homozygotes.

Submission:

GeneDx
Classification: Uncertain significance. Last evaluated: 2026-03-24. Review status: criteria provided, single submitter. Criteria: GeneDx Variant Classification Process June 2021. Collection method: clinical testing. Allele origin: germline.
Comment: Not observed at significant frequency in large population cohorts (gnomAD); In silico analysis suggests that this missense variant does not alter protein structure/function; Has not been previously published as pathogenic or benign to our knowledge

NM_001282534.2(KCNK9):c.427A>C (p.Ile143Leu)

Gene: KCNK9 (potassium two pore domain channel subfamily K member 9; minus strand). Cytogenetic location: 8q24.3.
Variant type: single nucleotide variant.
Coding change: c.427A>C on transcript NM_001282534.2 (MANE Select); coding-DNA position 427, A replaced by C.
Protein change: p.Ile143Leu; replaces isoleucine 143 with leucine.
Molecular consequence: missense variant. On other transcripts: non-coding transcript variant (1).
Genome position (GRCh38, 1-based): chr8:139,618,956, T>G on the plus strand (A>C on the coding strand, the complement: KCNK9 is on the minus strand). VCF-style: chr8-139618956-T-G. GRCh37 (hg19) VCF-style: chr8-140631199-T-G.
Other names: short protein forms I143L.
Identifiers: ClinVar variation 5017426 (VCV005017426.1).